The following is an entry in ClinVar:

ClinVar aggregate classification (germline): Uncertain significance (1 of 4 stars; one submission).

Conditions:
NAGLU-related disorder. Also called: NAGLU-related condition.

Submission:

PreventionGenetics, part of Exact Sciences
Classification: Uncertain significance for NAGLU-related condition. Last evaluated: 2026-09-21. Review status: criteria provided, single submitter. Criteria: ACMG Guidelines, 2015. Collection method: clinical testing. Allele origin: germline.
Comment: The NAGLU c.765-6C>A variant is predicted to interfere with splicing. To our knowledge, this variant has not been reported in the literature or in a large population database (gnomAD), indicating this variant is rare. At this time, the clinical significance of this variant is uncertain due to the absence of conclusive functional and genetic evidence.

NM_000263.4(NAGLU):c.765-6C>A

Gene: NAGLU (N-acetyl-alpha-glucosaminidase; plus strand). Cytogenetic location: 17q21.2.
Variant type: single nucleotide variant.
Coding change: c.765-6C>A on transcript NM_000263.4 (MANE Select); 6 bases into the intron before coding-DNA position 765, C replaced by A.
Molecular consequence: intron variant.
Genome position (GRCh38, 1-based): chr17:42,540,944, C>A. VCF-style: chr17-42540944-C-A. GRCh37 (hg19) VCF-style: chr17-40692962-C-A.
Identifiers: ClinVar variation 4995209 (VCV004995209.1).
Genomic context (GRCh38, chr17:42,540,944, plus strand): 5'-TGTTGAACACTATGGTGAACACTATGGCGGCTTCCATGAAATATCTGAGCTTTTGCTCCC[C>A]ACTAGGGTGTTCCCTCAGGTCAATGTCACGAAGATGGGCAGTTGGGGCCACTTTAACTGT-3'